The following is an entry in ClinVar:

NM_020134.4(DPYSL5):c.605C>T (p.Ala202Val)

Gene: DPYSL5 (dihydropyrimidinase like 5; plus strand). Cytogenetic location: 2p23.3.
Variant type: single nucleotide variant.
Coding change: c.605C>T on transcript NM_020134.4 (MANE Select); coding-DNA position 605, C replaced by T.
Protein change: p.Ala202Val; replaces alanine 202 with valine.
Molecular consequence: missense variant.
Genome position (GRCh38, 1-based): chr2:26,928,259, C>T. VCF-style: chr2-26928259-C-T. GRCh37 (hg19) VCF-style: chr2-27151127-C-T.
Other names: c.605C>T, p.Ala202Val (NM_001253723.2, NM_001253724.2); short protein forms A202V.
Identifiers: ClinVar variation 4282119 (VCV004282119.1).

ClinVar aggregate classification (germline): Uncertain significance (1 of 4 stars; one submission).

Submission:

GeneDx
Classification: Uncertain significance. Last evaluated: 2025-04-10. Review status: criteria provided, single submitter. Criteria: GeneDx Variant Classification Process June 2021. Collection method: clinical testing. Allele origin: germline. Affected: yes.
Comment: Not observed at significant frequency in large population cohorts (gnomAD); In silico analysis indicates that this missense variant does not alter protein structure/function; Has not been previously published as pathogenic or benign to our knowledge